The following is an entry in ClinVar:

ClinVar aggregate classification (germline): Benign/Likely benign. Review status: criteria provided, multiple submitters, no conflicts (2 of 4 stars). 7 submissions from 7 submitters: Benign (2); Likely benign (5). Last evaluated 2026-01-13.

Conditions:
Hereditary cancer-predisposing syndrome. Also called: Tumor predisposition; Neoplastic Syndromes, Hereditary; Hereditary Cancer Syndrome; Hereditary neoplastic syndrome. Identifiers: Orphanet 140162, MedGen C0027672, MeSH D009386, MONDO:0015356.
Tuberous sclerosis syndrome (TSC). Also called: Tuberous Sclerosis Complex; Tuberous sclerosis. Identifiers: Orphanet 805, MedGen C0041341, MONDO:0001734.
Tuberous sclerosis 1 (TSC1). Identifiers: Orphanet 805, MedGen C1854465, MONDO:0008612, OMIM 191100.

Allele frequency attached by ClinVar (database versions not stated): gnomAD exomes below 0.00001; TOPMed 0.00001; gnomAD 0.00003.
gnomAD v4.1: 9 of 1,613,978 alleles (0.00056%); highest among the groups gnomAD compares: Non-Finnish European, 0.00068%; no homozygotes.

Submissions (7):

Labcorp Genetics (formerly Invitae), Labcorp
Classification: Likely benign for Tuberous sclerosis 1. Last evaluated: 2026-01-13. Review status: criteria provided, single submitter. Criteria: Invitae Variant Classification Sherloc (09022015). Collection method: clinical testing. Allele origin: germline.

Quest Diagnostics Nichols Institute San Juan Capistrano
Classification: Likely benign. Last evaluated: 2025-10-28. Review status: criteria provided, single submitter. Criteria: Quest Diagnostics criteria. Collection method: clinical testing. Allele origin: unknown.

Myriad Genetics, Inc.
Classification: Benign for Tuberous sclerosis 1. Last evaluated: 2025-04-09. Review status: criteria provided, single submitter. Criteria: Myriad Autosomal Dominant, Autosomal Recessive and X-Linked Classification Criteria (2023). Collection method: clinical testing. Allele origin: unknown.
Comment: This variant is considered benign. This variant is a silent/synonymous amino acid change and it is not expected to impact splicing.

All of Us Research Program, National Institutes of Health
Classification: Likely benign for Tuberous sclerosis syndrome. Last evaluated: 2023-11-02. Review status: criteria provided, single submitter. Criteria: ACMG Guidelines, 2015. Collection method: clinical testing. Allele origin: germline. Inheritance: Autosomal dominant inheritance. Observed: 4 variant alleles, 4 heterozygotes.
Comment: This study involves interpretation of variants in research participants for the purpose of population health screening. Participant phenotype was not available at the time of variant classification. Additional details can be found in publication PMID: 35346344, PMCID: PMC8962531

Color Diagnostics, LLC DBA Color Health
Classification: Likely benign for Tuberous sclerosis syndrome. Last evaluated: 2022-11-06. Review status: criteria provided, single submitter. Criteria: ACMG Guidelines, 2015. Collection method: clinical testing. Allele origin: germline.

Genome-Nilou Lab
Classification: Benign for Tuberous sclerosis 1. Last evaluated: 2021-11-07. Review status: criteria provided, single submitter. Criteria: ACMG Guidelines, 2015. Collection method: clinical testing. Allele origin: germline. Affected: no.

Ambry Genetics
Classification: Likely benign for Hereditary cancer-predisposing syndrome. Last evaluated: 2018-10-31. Review status: criteria provided, single submitter. Criteria: Ambry Variant Classification Scheme 2023. Collection method: clinical testing. Allele origin: germline.

NM_000368.5(TSC1):c.1344T>G (p.Pro448=)

Gene: TSC1 (TSC complex subunit 1; minus strand). Cytogenetic location: 9q34.13.
Variant type: single nucleotide variant.
Coding change: c.1344T>G on transcript NM_000368.5 (MANE Select); coding-DNA position 1344, T replaced by G.
Protein change: p.Pro448=; no amino-acid change (proline 448 retained).
Molecular consequence: synonymous variant.
Genome position (GRCh38, 1-based): chr9:132,906,825, A>C on the plus strand (T>G on the coding strand, the complement: TSC1 is on the minus strand). VCF-style: chr9-132906825-A-C. GRCh37 (hg19) VCF-style: chr9-135782212-A-C.
Other names: c.1341T>G, p.Pro447= (NM_001162426.2); c.1191T>G, p.Pro397= (NM_001162427.2); c.981T>G, p.Pro327= (NM_001362177.2).
Identifiers: ClinVar variation 416651 (VCV000416651.21), dbSNP rs530908428, ClinGen allele CA16612466.
Genomic context (GRCh38, chr9:132,906,825, plus strand): 5'-AGAGGCCAGATCACCTAAAAACCCTGGAAGATCACTTAGAGTGACAGAACCTTTGCTGCC[A>C]GGTGGCTCTTCTGAAGAGAAACAAAGACAACTGAAGTCAAAGAAATACAGTGTAATCCCT-3'
Protein context (NP_000359.1, residues 438-458): LLNDRGSEEP[Pro448=]GSKGSVTLSD